The following is an entry in ClinVar:

NM_001378454.1(ALMS1):c.406G>T (p.Val136Phe)

Gene: ALMS1 (ALMS1 centrosome and basal body associated protein; plus strand). Cytogenetic location: 2p13.1.
Variant type: single nucleotide variant.
Coding change: c.406G>T on transcript NM_001378454.1 (MANE Select); coding-DNA position 406, G replaced by T.
Protein change: p.Val136Phe; replaces valine 136 with phenylalanine.
Molecular consequence: missense variant.
Genome position (GRCh38, 1-based): chr2:73,408,703, G>T. VCF-style: chr2-73408703-G-T. GRCh37 (hg19) VCF-style: chr2-73635831-G-T.
Other names: c.409G>T, p.Val137Phe (NM_015120.4); short protein forms V137F, V136F.
Identifiers: ClinVar variation 1737819 (VCV001737819.2), dbSNP rs1187456366, ClinGen allele CA347257660.

ClinVar aggregate classification (germline): Uncertain significance (1 of 4 stars; one submission).

Conditions:
Cardiovascular phenotype. Identifiers: MedGen CN230736.

Submission:

Ambry Genetics
Classification: Uncertain significance for Cardiovascular phenotype. Last evaluated: 2021-04-14. Review status: criteria provided, single submitter. Criteria: Ambry Variant Classification Scheme 2023. Collection method: clinical testing. Allele origin: germline.
Comment: The p.V137F variant (also known as c.409G>T), located in coding exon 2 of the ALMS1 gene, results from a G to T substitution at nucleotide position 409. The valine at codon 137 is replaced by phenylalanine, an amino acid with highly similar properties. This amino acid position is not well conserved in available vertebrate species, and phenylalanine is the reference amino acid in other vertebrate species. In addition, this alteration is predicted to be tolerated by in silico analysis. Since supporting evidence is limited at this time, the clinical significance of this alteration remains unclear.